The following is an entry in ClinVar:

NM_000038.6(APC):c.6201del (p.Asn2067fs)

Gene: APC (APC regulator of Wnt signaling pathway; plus strand). Cytogenetic location: 5q22.2.
Variant type: Deletion.
Coding change: c.6201del on transcript NM_000038.6 (MANE Select); coding-DNA position 6201, one base deleted (T; older notation c.6201delT).
Protein change: p.Asn2067fs; shifts the reading frame from asparagine 2067.
Molecular consequence: frameshift variant.
Genome position (GRCh38, 1-based): chr5:112,841,795, T deleted. VCF-style (leftmost placement, unchanged base first): chr5-112841794-AT-A. GRCh37 (hg19) VCF-style: chr5-112177491-AT-A.
Other names: c.6201del, p.Asn2067fs (NM_001127510.3, NM_001354895.2); c.6147del, p.Asn2049fs (NM_001127511.3); c.6255del, p.Asn2085fs (NM_001354896.2); c.6231del, p.Asn2077fs (NM_001354897.2); c.6126del, p.Asn2042fs (NM_001354898.2); c.6117del, p.Asn2039fs (NM_001354899.2); c.6078del, p.Asn2026fs (NM_001354900.2); c.6024del, p.Asn2008fs (NM_001354901.2); and 5 more; short protein forms N1941fs, N2026fs, N2067fs, N1784fs, N1907fs, N1966fs, N2039fs, N2042fs.
Identifiers: ClinVar variation 658413 (VCV000658413.10), dbSNP rs1580668673, ClinGen allele CA915943506.
Genomic context (GRCh38, chr5:112,841,794, plus strand): 5'-TGCCAAAAAAGAAAAAGCCTTCAAGACTCAAGGGTGATAATGAAAAACATAGTCCCAGAA[AT>A]ATGGGTGGCATATTAGGTGAAGATCTGACACTTGATTTGAAAGATATACAGAGACCAGAT-3'

ClinVar aggregate classification (germline): Pathogenic (1 of 4 stars; one submission).

Conditions:
Familial adenomatous polyposis 1 (FAP1). Also called: POLYPOSIS, ADENOMATOUS INTESTINAL; FAMILIAL ADENOMATOUS POLYPOSIS 1, ATTENUATED. Identifiers: MedGen C2713442, MONDO:0021056, OMIM 175100. Disease mechanism: loss of function.

Submission:

Labcorp Genetics (formerly Invitae), Labcorp
Classification: Pathogenic for Familial adenomatous polyposis 1. Last evaluated: 2020-02-04. Review status: criteria provided, single submitter. Criteria: Invitae Variant Classification Sherloc (09022015). Collection method: clinical testing. Allele origin: germline.
Comment: This variant has not been reported in the literature in individuals with APC-related disease. For these reasons, this variant has been classified as Pathogenic. A different truncation (p.Tyr2645Lysfs*14) that lies downstream of this variant has been determined to be pathogenic (PMID: 9824584, 1316610, 27081525, 8381579, 22135120, Invitae). This suggests that deletion of this region of the APC protein is causative of disease. This variant is not present in population databases (ExAC no frequency). This sequence change results in a premature translational stop signal in the APC gene (p.Asn2067Lysfs*6). While this is not anticipated to result in nonsense mediated decay, it is expected to disrupt the last 777 amino acids of the APC protein.

Literature cited by the submitters: PubMed 9824584; PubMed 1316610; PubMed 27081525; PubMed 8381579; PubMed 22135120.